The following is an entry in ClinVar:

NM_000834.5(GRIN2B):c.4264C>T (p.Arg1422Trp)

Gene: GRIN2B (glutamate ionotropic receptor NMDA type subunit 2B; minus strand). Cytogenetic location: 12p13.1.
Variant type: single nucleotide variant.
Coding change: c.4264C>T on transcript NM_000834.5 (MANE Select); coding-DNA position 4264, C replaced by T.
Protein change: p.Arg1422Trp; replaces arginine 1422 with tryptophan.
Molecular consequence: missense variant.
Genome position (GRCh38, 1-based): chr12:13,562,974, G>A on the plus strand (C>T on the coding strand, the complement: GRIN2B is on the minus strand). VCF-style: chr12-13562974-G-A. GRCh37 (hg19) VCF-style: chr12-13715908-G-A.
Other names: c.4264C>T, p.Arg1422Trp (NM_001413992.1); short protein forms R1422W.
Identifiers: ClinVar variation 2925391 (VCV002925391.3), dbSNP rs773278200, ClinGen allele CA6460756.

ClinVar aggregate classification (germline): Uncertain significance (1 of 4 stars; one submission).

Conditions:
Intellectual developmental disorder, autosomal dominant 6, with or without seizures. Also called: GRIN2B-related developmental delay, intellectual disability and autism spectrum disorder; Intellectual disability, autosomal dominant 6. Identifiers: Orphanet 589547, MedGen C3151411, MONDO:0013509, OMIM 613970.
Developmental and epileptic encephalopathy, 27 (DEE27). Also called: Epileptic encephalopathy, early infantile, 27; GRIN2B-Related Neurodevelopmental Disorder. Identifiers: Orphanet 3451, MedGen C4015316, MONDO:0014505, OMIM 616139.

Allele frequency attached by ClinVar (database versions not stated): gnomAD exomes below 0.00001; ExAC 0.00001.
gnomAD v4.1: 4 of 1,613,954 alleles (0.00025%); highest among the groups gnomAD compares: Admixed American, 0.0017%; no homozygotes.

Submission:

Labcorp Genetics (formerly Invitae), Labcorp
Classification: Uncertain significance for Developmental and epileptic encephalopathy, 27; Intellectual developmental disorder, autosomal dominant 6, with or without seizures. Last evaluated: 2023-04-14. Review status: criteria provided, single submitter. Criteria: Invitae Variant Classification Sherloc (09022015). Collection method: clinical testing. Allele origin: germline.
Comment: In summary, the available evidence is currently insufficient to determine the role of this variant in disease. Therefore, it has been classified as a Variant of Uncertain Significance. Advanced modeling of protein sequence and biophysical properties (such as structural, functional, and spatial information, amino acid conservation, physicochemical variation, residue mobility, and thermodynamic stability) performed at Invitae indicates that this missense variant is not expected to disrupt GRIN2B protein function. This variant has not been reported in the literature in individuals affected with GRIN2B-related conditions. This variant is present in population databases (rs773278200, gnomAD 0.003%). This sequence change replaces arginine, which is basic and polar, with tryptophan, which is neutral and slightly polar, at codon 1422 of the GRIN2B protein (p.Arg1422Trp).